The following is an entry in ClinVar:

NM_213599.3(ANO5):c.2138C>A (p.Thr713Asn)

Gene: ANO5 (anoctamin 5; plus strand). Cytogenetic location: 11p14.3.
Variant type: single nucleotide variant.
Coding change: c.2138C>A on transcript NM_213599.3 (MANE Select); coding-DNA position 2138, C replaced by A.
Protein change: p.Thr713Asn; replaces threonine 713 with asparagine.
Molecular consequence: missense variant.
Genome position (GRCh38, 1-based): chr11:22,272,892, C>A. VCF-style: chr11-22272892-C-A. GRCh37 (hg19) VCF-style: chr11-22294438-C-A.
Other names: c.2135C>A, p.Thr712Asn (NM_001142649.2); c.2096C>A, p.Thr699Asn (NM_001410963.1); c.2093C>A, p.Thr698Asn (NM_001410964.1); c.2060C>A, p.Thr687Asn (NM_001441294.1); c.2057C>A, p.Thr686Asn (NM_001441295.1); c.2045C>A, p.Thr682Asn (NM_001441296.1); c.2018C>A, p.Thr673Asn (NM_001441297.1); c.1982C>A, p.Thr661Asn (NM_001441298.1); and 4 more; short protein forms T660N, T698N, T699N, T712N, T713N, T686N, T687N, T551N.
Identifiers: ClinVar variation 4791338 (VCV004791338.1).

ClinVar aggregate classification (germline): Uncertain significance (1 of 4 stars; one submission).

Conditions:
Gnathodiaphyseal dysplasia (GDD). Also called: GNATHODIAPHYSEAL SCLEROSIS; OSTEOGENESIS IMPERFECTA WITH UNUSUAL SKELETAL LESIONS. Identifiers: Orphanet 53697, MedGen C1833736, MONDO:0008151, OMIM 166260.
Autosomal recessive limb-girdle muscular dystrophy type 2L (LGMDR12). Also called: Limb-girdle muscular dystrophy, type 2L; MUSCULAR DYSTROPHY, LIMB-GIRDLE, AUTOSOMAL RECESSIVE 12; Limb-Girdle Muscular Dystrophy R12 Anoctamin-5-Related (LGMD-R12). Identifiers: Orphanet 206549, MedGen C1969785, MONDO:0012652, OMIM 611307.

gnomAD v4.1: 2 of 1,614,028 alleles (0.00012%); highest among the groups gnomAD compares: Admixed American, 0.0017%; no homozygotes.

Submission:

Labcorp Genetics (formerly Invitae), Labcorp
Classification: Uncertain significance for Autosomal recessive limb-girdle muscular dystrophy type 2L; Gnathodiaphyseal dysplasia. Last evaluated: 2025-12-13. Review status: criteria provided, single submitter. Criteria: Invitae Variant Classification Sherloc (09022015). Collection method: clinical testing. Allele origin: germline.
Comment: This sequence change replaces threonine, which is neutral and polar, with asparagine, which is neutral and polar, at codon 713 of the ANO5 protein (p.Thr713Asn). This variant is present in population databases (no rsID available, gnomAD 0.003%). This variant has not been reported in the literature in individuals affected with ANO5-related conditions. Invitae Evidence Modeling of protein sequence and biophysical properties (such as structural, functional, and spatial information, amino acid conservation, physicochemical variation, residue mobility, and thermodynamic stability) indicates that this missense variant is expected to disrupt ANO5 protein function with a positive predictive value of 95%. In summary, the available evidence is currently insufficient to determine the role of this variant in disease. Therefore, it has been classified as a Variant of Uncertain Significance.